The following is an entry in ClinVar:

ClinVar aggregate classification (germline): Benign/Likely benign. Review status: criteria provided, multiple submitters, no conflicts (2 of 4 stars). 2 submissions from 2 submitters: Benign (1); Likely benign (1). Last evaluated 2026-01-11.

Conditions:
Osteogenesis imperfecta type 6. Also called: Osteogenesis imperfecta, type VI. Identifiers: Orphanet 666, MedGen C3279564, MONDO:0013515, OMIM 613982.

Allele frequency attached by ClinVar (database versions not stated): gnomAD 0.00015 and 0.00019; TOPMed 0.00019; ExAC 0.00037; 1000 Genomes Project 0.00140; 1000 Genomes Project 30x 0.00141.
gnomAD v4.1: 152 of 1,611,280 alleles (0.0094%); highest among the groups gnomAD compares: East Asian, 0.32%; 1 homozygote.

Submissions (2):

Labcorp Genetics (formerly Invitae), Labcorp
Classification: Benign. Last evaluated: 2026-01-11. Review status: criteria provided, single submitter. Criteria: Invitae Variant Classification Sherloc (09022015). Collection method: clinical testing. Allele origin: germline.

Illumina Laboratory Services, Illumina
Classification: Likely benign for Osteogenesis imperfecta type 6. Last evaluated: 2018-01-13. Review status: criteria provided, single submitter. Criteria: ICSL Variant Classification Criteria 13 December 2019. Collection method: clinical testing. Allele origin: germline.
Comment: This variant was observed in the ICSL laboratory as part of a predisposition screen in an ostensibly healthy population. It had not been previously curated by ICSL or reported in the Human Gene Mutation Database (HGMD: prior to June 1st, 2018), and was therefore a candidate for classification through an automated scoring system. Utilizing variant allele frequency, disease prevalence and penetrance estimates, and inheritance mode, an automated score was calculated to assess if this variant is too frequent to cause the disease. Based on the score and internal cut-off values, a variant classified as likely benign is not then subjected to further curation. The score for this variant resulted in a classification of likely benign for this disease.

NM_002615.7(SERPINF1):c.756C>A (p.Arg252=)

Gene: SERPINF1 (serpin family F member 1; plus strand). Cytogenetic location: 17p13.3.
Variant type: single nucleotide variant.
Coding change: c.756C>A on transcript NM_002615.7 (MANE Select); coding-DNA position 756, C replaced by A.
Protein change: p.Arg252=; no amino-acid change (arginine 252 retained).
Molecular consequence: synonymous variant.
Genome position (GRCh38, 1-based): chr17:1,775,170, C>A. VCF-style: chr17-1775170-C-A. GRCh37 (hg19) VCF-style: chr17-1678464-C-A.
Other names: c.756C>A, p.Arg252= (NM_001329903.2); c.195C>A, p.Arg65= (NM_001329904.2, NM_001329905.2).
Identifiers: ClinVar variation 322010 (VCV000322010.12), dbSNP rs144006481, ClinGen allele CA8274822.